The following is an entry in ClinVar:

NM_001267550.2(TTN):c.13329C>G (p.Tyr4443Ter)

Gene: TTN (titin; minus strand). Cytogenetic location: 2q31.2.
Variant type: single nucleotide variant.
Coding change: c.13329C>G on transcript NM_001267550.2 (MANE Select); coding-DNA position 13329, C replaced by G.
Protein change: p.Tyr4443Ter; replaces tyrosine 4443 with a stop codon.
Molecular consequence: nonsense. On other transcripts: intron variant (1).
Genome position (GRCh38, 1-based): chr2:178,739,904, G>C on the plus strand (C>G on the coding strand, the complement: TTN is on the minus strand). VCF-style: chr2-178739904-G-C. GRCh37 (hg19) VCF-style: chr2-179604631-G-C.
Other names: c.12378C>G, p.Tyr4126Ter (NM_001256850.1); c.12240C>G, p.Tyr4080Ter (NM_003319.4); c.12615C>G, p.Tyr4205Ter (NM_133432.3); c.12816C>G, p.Tyr4272Ter (NM_133437.4); c.10361-1544C>G (NM_133378.4); short protein forms Y4272*, Y4126*, Y4443*, Y4080*, Y4205*.
Identifiers: ClinVar variation 1977639 (VCV001977639.5), dbSNP rs2082191056, ClinGen allele CA349608429.

ClinVar aggregate classification (germline): Likely pathogenic (1 of 4 stars; one submission).

Conditions:
Dilated cardiomyopathy 1G (CMD1G). Identifiers: Orphanet 154, MedGen C1858763, MONDO:0011400, OMIM 604145.
Autosomal recessive limb-girdle muscular dystrophy type 2J (LGMDR10). Also called: Limb-girdle muscular dystrophy, type 2J; MUSCULAR DYSTROPHY, LIMB-GIRDLE, AUTOSOMAL RECESSIVE 10. Identifiers: Orphanet 140922, MedGen C1837342, MONDO:0012127, OMIM 608807.

Submission:

Labcorp Genetics (formerly Invitae), Labcorp
Classification: Likely pathogenic for Dilated cardiomyopathy 1G; Autosomal recessive limb-girdle muscular dystrophy type 2J. Last evaluated: 2024-09-16. Review status: criteria provided, single submitter. Criteria: Invitae Variant Classification Sherloc (09022015). Collection method: clinical testing. Allele origin: germline.
Comment: This sequence change creates a premature translational stop signal (p.Tyr4443*) in the TTN gene. While this is not anticipated to result in nonsense mediated decay, it is expected to create a truncated TTN protein. This variant is not present in population databases (gnomAD no frequency). This variant has not been observed in the literature in individuals with autosomal recessive TTN-related conditions. This variant has been reported in individual(s) with autosomal dominant dilated cardiomyopathy (internal data); however, the role of the variant in this condition is currently unclear. ClinVar contains an entry for this variant (Variation ID: 1977639). This variant is located in the I band of TTN (PMID: 25589632). Truncating variants in this region have been reported in individuals affected with autosomal recessive centronuclear myopathy (PMID: 23975875, internal data). Truncating variants in this region have also been identified in individuals affected with autosomal dominant dilated cardiomyopathy and/or cardio-related conditions (PMID: 27869827, 32964742, internal data). In summary, the currently available evidence indicates that the variant is pathogenic, but additional data are needed to prove that conclusively. Therefore, this variant has been classified as Likely Pathogenic.

Literature cited by the submitters: PubMed 25589632; PubMed 23975875; PubMed 27869827; PubMed 32964742.